The following is an entry in ClinVar:

ClinVar aggregate classification (germline): Likely benign. Review status: criteria provided, multiple submitters, no conflicts (2 of 4 stars). 2 submissions from 2 submitters: Likely benign (2). Last evaluated 2024-12-20.

Conditions:
Wilson disease (WND). Also called: Wilson's disease. Identifiers: Orphanet 905, MedGen C0019202, MONDO:0010200, OMIM 277900. Disease mechanism: loss of function.

Allele frequency attached by ClinVar (database versions not stated): TOPMed below 0.00001.

Submissions (2):

Labcorp Genetics (formerly Invitae), Labcorp
Classification: Likely benign for Wilson disease. Last evaluated: 2024-12-20. Review status: criteria provided, single submitter. Criteria: Invitae Variant Classification Sherloc (09022015). Collection method: clinical testing. Allele origin: germline.

All of Us Research Program, National Institutes of Health
Classification: Likely benign for Wilson disease. Last evaluated: 2023-10-06. Review status: criteria provided, single submitter. Criteria: ACMG Guidelines, 2015. Collection method: clinical testing. Allele origin: germline. Inheritance: Autosomal recessive inheritance. Observed: 1 variant allele, 1 heterozygote.
Comment: This study involves interpretation of variants in research participants for the purpose of population health screening. Participant phenotype was not available at the time of variant classification. Additional details can be found in publication PMID: 35346344, PMCID: PMC8962531

NM_000053.4(ATP7B):c.3327G>A (p.Val1109=)

Gene: ATP7B (ATPase copper transporting beta; minus strand). Cytogenetic location: 13q14.3.
Variant type: single nucleotide variant.
Coding change: c.3327G>A on transcript NM_000053.4 (MANE Select); coding-DNA position 3327, G replaced by A.
Protein change: p.Val1109=; no amino-acid change (valine 1109 retained).
Molecular consequence: synonymous variant.
Genome position (GRCh38, 1-based): chr13:51,942,471, C>T on the plus strand (G>A on the coding strand, the complement: ATP7B is on the minus strand). VCF-style: chr13-51942471-C-T. GRCh37 (hg19) VCF-style: chr13-52516607-C-T.
Other names: c.2706G>A, p.Val902= (NM_001005918.3); c.2994G>A, p.Val998= (NM_001243182.2); c.3093G>A, p.Val1031= (NM_001330578.2); c.3075G>A, p.Val1025= (NM_001330579.2).
Identifiers: ClinVar variation 1591078 (VCV001591078.9), dbSNP rs1957394302, ClinGen allele CA483894411.
Genomic context (GRCh38, chr13:51,942,471, plus strand): 5'-CTCATTCAGGTGACTGGCCGGTGCACTCAAAGGGCGCTCACTGTGGGCCAGGATGCCTTC[C>T]ACGTTGCTGACTTTGCACCCAATTCCACAGCCTGGCACTGCCTGGAAGTCCGTGCAGTAT-3'
Protein context (NP_000044.2, residues 1099-1119): GCGIGCKVSN[Val1109=]EGILAHSERP